The following is an entry in ClinVar:

NM_001848.3(COL6A1):c.1575C>T (p.Pro525=)

Gene: COL6A1 (collagen type VI alpha 1 chain; plus strand). Cytogenetic location: 21q22.3.
Variant type: single nucleotide variant.
Coding change: c.1575C>T on transcript NM_001848.3 (MANE Select); coding-DNA position 1575, C replaced by T.
Protein change: p.Pro525=; no amino-acid change (proline 525 retained).
Molecular consequence: synonymous variant.
Genome position (GRCh38, 1-based): chr21:45,998,171, C>T. VCF-style: chr21-45998171-C-T. GRCh37 (hg19) VCF-style: chr21-47418085-C-T.
Identifiers: ClinVar variation 195745 (VCV000195745.16), dbSNP rs781031251, ClinGen allele CA242318.
Genomic context (GRCh38, chr21:45,998,171, plus strand): 5'-GCTCCCCCAGGGAGAAGACGGCCCCGCTGGAAATGGCACCGAGGGCTTCCCCGGCTTCCC[C>T]GTAAGTGTCCGGAGGCTGAGCCCACAGGAACATGCCCAAGCTGCCTGCGGCGCCCTCTTT-3'
Protein context (NP_001839.2, residues 515-535): GNGTEGFPGF[Pro525=]GYPGNRGAPG

ClinVar aggregate classification (germline): Uncertain significance. Review status: criteria provided, multiple submitters, no conflicts (2 of 4 stars). 3 submissions from 3 submitters: Uncertain significance (2). 1 of the submissions does not count toward it. Last evaluated 2024-11-08.

Conditions:
COL6A1-related disorder. Also called: COL6A1-related condition.
Bethlem myopathy 1A. Also called: MYOPATHY, BENIGN CONGENITAL, WITH CONTRACTURES; Bethlem myopathy 1; Bethlem Muscular Dystrophy. Identifiers: Orphanet 610, MedGen CN029274, MONDO:0024530, OMIM 158810.

Allele frequency attached by ClinVar (database versions not stated): TOPMed 0.00001; ExAC 0.00003; gnomAD exomes 0.00004.
gnomAD v4.1: 46 of 1,611,836 alleles (0.0029%); highest among the groups gnomAD compares: South Asian, 0.018%; 1 homozygote.

Submissions (3):

Labcorp Genetics (formerly Invitae), Labcorp
Classification: Uncertain significance for Bethlem myopathy 1A. Last evaluated: 2024-11-08. Review status: criteria provided, single submitter. Criteria: Invitae Variant Classification Sherloc (09022015). Collection method: clinical testing. Allele origin: germline.
Comment: This sequence change affects codon 525 of the COL6A1 mRNA. It is a 'silent' change, meaning that it does not change the encoded amino acid sequence of the COL6A1 protein. It affects a nucleotide within the consensus splice site. This variant is present in population databases (rs781031251, gnomAD 0.03%). This variant has not been reported in the literature in individuals affected with COL6A1-related conditions. ClinVar contains an entry for this variant (Variation ID: 195745). Algorithms developed to predict the effect of sequence changes on RNA splicing suggest that this variant is not likely to affect RNA splicing. In summary, the available evidence is currently insufficient to determine the role of this variant in disease. Therefore, it has been classified as a Variant of Uncertain Significance.

Eurofins Ntd Llc (ga)
Classification: Uncertain significance. Last evaluated: 2018-02-28. Review status: criteria provided, single submitter. Criteria: EGL ClinVar v180209 classification definitions. Collection method: clinical testing. Allele origin: germline. Observed: 2 variant alleles, 2 heterozygotes.

PreventionGenetics, part of Exact Sciences
Classification: Likely benign for COL6A1-related condition. Last evaluated: 2023-10-02. Review status: no assertion criteria provided. Collection method: clinical testing. Allele origin: germline. Not counted in ClinVar's aggregate classification.
Comment: This variant is classified as likely benign based on ACMG/AMP sequence variant interpretation guidelines (Richards et al. 2015 PMID: 25741868, with internal and published modifications).